The following is an entry in ClinVar:

ClinVar aggregate classification (germline): Uncertain significance (1 of 4 stars; one submission).

Conditions:
DYRK1A-related intellectual disability syndrome (MRD7). Also called: Intellectual developmental disorder, autosomal dominant 7; DYRK1A Syndrome. Identifiers: Orphanet 464306, MedGen C5568143, MONDO:0013578, OMIM 614104.

Submission:

Labcorp Genetics (formerly Invitae), Labcorp
Classification: Uncertain significance for DYRK1A-related intellectual disability syndrome. Last evaluated: 2024-03-27. Review status: criteria provided, single submitter. Criteria: Invitae Variant Classification Sherloc (09022015). Collection method: clinical testing. Allele origin: germline.
Comment: This sequence change replaces histidine, which is basic and polar, with asparagine, which is neutral and polar, at codon 653 of the DYRK1A protein (p.His653Asn). This variant is not present in population databases (gnomAD no frequency). This variant has not been reported in the literature in individuals affected with DYRK1A-related conditions. An algorithm developed to predict the effect of missense changes on protein structure and function (PolyPhen-2) suggests that this variant is likely to be tolerated. In summary, the available evidence is currently insufficient to determine the role of this variant in disease. Therefore, it has been classified as a Variant of Uncertain Significance.

NM_001347721.2(DYRK1A):c.1930C>A (p.His644Asn)

Gene: DYRK1A (dual specificity tyrosine phosphorylation regulated kinase 1A; plus strand). Cytogenetic location: 21q22.13.
Variant type: single nucleotide variant.
Coding change: c.1930C>A on transcript NM_001347721.2 (MANE Select); coding-DNA position 1930, C replaced by A.
Protein change: p.His644Asn; replaces histidine 644 with asparagine.
Molecular consequence: missense variant. On other transcripts: 3 prime UTR variant (2).
Genome position (GRCh38, 1-based): chr21:37,512,196, C>A. VCF-style: chr21-37512196-C-A. GRCh37 (hg19) VCF-style: chr21-38884499-C-A.
Other names: c.1930C>A, p.His644Asn (NM_001347722.2, NM_130436.2); c.1843C>A, p.His615Asn (NM_001347723.2); c.1957C>A, p.His653Asn (NM_001396.5); c.*333C>A (NM_101395.2); c.*242C>A (NM_130438.2); short protein forms H644N, H615N, H653N.
Identifiers: ClinVar variation 3647808 (VCV003647808.2).